The following is an entry in ClinVar:

ClinVar aggregate classification (germline): Uncertain significance (1 of 4 stars; one submission).

Conditions:
ARHGEF28-related disorder. Also called: ARHGEF28-related condition.

Allele frequency attached by ClinVar (database versions not stated): TOPMed 0.00001.

Submission:

PreventionGenetics, part of Exact Sciences
Classification: Uncertain significance for ARHGEF28-related condition. Last evaluated: 2023-02-22. Review status: criteria provided, single submitter. Criteria: ACMG Guidelines, 2015. Collection method: clinical testing. Allele origin: germline.
Comment: The ARHGEF28 c.877G>A variant is predicted to result in the amino acid substitution p.Ala293Thr. To our knowledge, this variant has not been reported in the literature. This variant is reported in 0.0039% of alleles in individuals of Latino descent in gnomAD. At this time, the clinical significance of this variant is uncertain due to the absence of conclusive functional and genetic evidence.

NM_001177693.2(ARHGEF28):c.877G>A (p.Ala293Thr)

Gene: ARHGEF28 (Rho guanine nucleotide exchange factor 28; plus strand). Cytogenetic location: 5q13.2.
Variant type: single nucleotide variant.
Coding change: c.877G>A on transcript NM_001177693.2 (MANE Select); coding-DNA position 877, G replaced by A.
Protein change: p.Ala293Thr; replaces alanine 293 with threonine.
Molecular consequence: missense variant.
Genome position (GRCh38, 1-based): chr5:73,780,712, G>A. VCF-style: chr5-73780712-G-A. GRCh37 (hg19) VCF-style: chr5-73076537-G-A.
Other names: c.877G>A, p.Ala293Thr (NM_001080479.3, NM_001388078.1); c.583G>A, p.Ala195Thr (NM_001388076.1); short protein forms A195T, A293T.
Identifiers: ClinVar variation 2636254 (VCV002636254.1), dbSNP rs1481188795, ClinGen allele CA360048552.